The following is an entry in ClinVar:

NM_138694.4(PKHD1):c.5381-7_5385del

Gene: PKHD1 (PKHD1 ciliary IPT domain containing fibrocystin/polyductin; minus strand). Cytogenetic location: 6p12.2.
Variant type: Deletion.
Coding change: c.5381-7_5385del on transcript NM_138694.4 (MANE Select); 7 bases into the intron before coding-DNA position 5381 through coding-DNA position 5385, 12 bases deleted (CCTGCAGTGTCC).
Molecular consequence: splice acceptor variant.
Genome position (GRCh38, 1-based): chr6:52,017,625-52,017,636, GGACACTGCAGG deleted on the plus strand (CCTGCAGTGTCC on the coding strand, the reverse complement: PKHD1 is on the minus strand). VCF-style (leftmost placement, unchanged base first): chr6-52017624-AGGACACTGCAGG-A. GRCh37 (hg19) VCF-style: chr6-51882422-AGGACACTGCAGG-A.
Other names: c.5381-7_5385del (NM_170724.3).
Identifiers: ClinVar variation 1515308 (VCV001515308.6), dbSNP rs2128130561, ClinGen allele CA2573140953.

ClinVar aggregate classification (germline): Likely pathogenic (1 of 4 stars; one submission).

Conditions:
Autosomal recessive polycystic kidney disease (ARPKD). Also called: AR polycystic kidney disease. Identifiers: Orphanet 731, Orphanet 8378, MedGen C0085548, MeSH D017044, MONDO:0009889.

Submission:

Labcorp Genetics (formerly Invitae), Labcorp
Classification: Likely pathogenic for Autosomal recessive polycystic kidney disease. Last evaluated: 2022-02-17. Review status: criteria provided, single submitter. Criteria: Invitae Variant Classification Sherloc (09022015). Collection method: clinical testing. Allele origin: germline.
Comment: This variant results in the deletion of part of exon 34 (c.5381-7_5385del) of the PKHD1 gene. It is expected to disrupt RNA splicing. Variants that disrupt the donor or acceptor splice site typically lead to a loss of protein function (PMID: 16199547), and loss-of-function variants in PKHD1 are known to be pathogenic (PMID: 19940839). This variant is not present in population databases (gnomAD no frequency). This variant has not been reported in the literature in individuals affected with PKHD1-related conditions. Algorithms developed to predict the effect of sequence changes on RNA splicing suggest that this variant may disrupt the consensus splice site. In summary, the currently available evidence indicates that the variant is pathogenic, but additional data are needed to prove that conclusively. Therefore, this variant has been classified as Likely Pathogenic.

Literature cited by the submitters: PubMed 16199547; PubMed 19940839.